The following is an entry in ClinVar:

NM_006516.4(SLC2A1):c.1381G>A (p.Asp461Asn)

Gene: SLC2A1 (solute carrier family 2 member 1; minus strand). Cytogenetic location: 1p34.2.
Variant type: single nucleotide variant.
Coding change: c.1381G>A on transcript NM_006516.4 (MANE Select); coding-DNA position 1381, G replaced by A.
Protein change: p.Asp461Asn; replaces aspartic acid 461 with asparagine.
Molecular consequence: missense variant.
Genome position (GRCh38, 1-based): chr1:42,927,139, C>T on the plus strand (G>A on the coding strand, the complement: SLC2A1 is on the minus strand). VCF-style: chr1-42927139-C-T. GRCh37 (hg19) VCF-style: chr1-43392810-C-T.
Other names: short protein forms D461N.
Identifiers: ClinVar variation 2147048 (VCV002147048.4), dbSNP rs370257930, ClinGen allele CA21248791.

ClinVar aggregate classification (germline): Uncertain significance (1 of 4 stars; one submission).

Conditions:
GLUT1 deficiency syndrome 1, autosomal recessive. Identifiers: MedGen C3149117.

Allele frequency attached by ClinVar (database versions not stated): ESP Exome Variant Server 0.00008.

Submission:

Labcorp Genetics (formerly Invitae), Labcorp
Classification: Uncertain significance for GLUT1 deficiency syndrome 1, autosomal recessive. Last evaluated: 2025-09-17. Review status: criteria provided, single submitter. Criteria: Invitae Variant Classification Sherloc (09022015). Collection method: clinical testing. Allele origin: germline.
Comment: This sequence change replaces aspartic acid, which is acidic and polar, with asparagine, which is neutral and polar, at codon 461 of the SLC2A1 protein (p.Asp461Asn). This variant is not present in population databases (gnomAD no frequency). This variant has not been reported in the literature in individuals affected with SLC2A1-related conditions. ClinVar contains an entry for this variant (Variation ID: 2147048). Invitae Evidence Modeling of protein sequence and biophysical properties (such as structural, functional, and spatial information, amino acid conservation, physicochemical variation, residue mobility, and thermodynamic stability) has been performed for this missense variant. However, the output from this modeling did not meet the statistical confidence thresholds required to predict the impact of this variant on SLC2A1 protein function. In summary, the available evidence is currently insufficient to determine the role of this variant in disease. Therefore, it has been classified as a Variant of Uncertain Significance.